The following is an entry in ClinVar:

NM_004594.3(SLC9A5):c.1737G>A (p.Ala579=)

Gene: SLC9A5 (solute carrier family 9 member A5; plus strand). Cytogenetic location: 16q22.1.
Variant type: single nucleotide variant.
Coding change: c.1737G>A on transcript NM_004594.3 (MANE Select); coding-DNA position 1737, G replaced by A.
Protein change: p.Ala579=; no amino-acid change (alanine 579 retained).
Molecular consequence: synonymous variant. On other transcripts: non-coding transcript variant (4).
Genome position (GRCh38, 1-based): chr16:67,259,841, G>A. VCF-style: chr16-67259841-G-A. GRCh37 (hg19) VCF-style: chr16-67293744-G-A.
Other names: c.1737G>A, p.Ala579= (NM_001323971.2, NM_001323973.2); c.1434G>A, p.Ala478= (NM_001323972.2); c.852G>A, p.Ala284= (NM_001323974.2, NM_001323975.2).
Identifiers: ClinVar variation 2646616 (VCV002646616.24), dbSNP rs116229178, ClinGen allele CA8107125.

ClinVar aggregate classification (germline): Likely benign (1 of 4 stars; one submission).

Allele frequency attached by ClinVar (database versions not stated): 1000 Genomes Project 0.00120; 1000 Genomes Project 30x 0.00125; ExAC 0.00235; ESP Exome Variant Server 0.00259; TOPMed 0.00260; gnomAD 0.00278; gnomAD exomes 0.00416.

Submission:

CeGaT Center for Human Genetics Tuebingen
Classification: Likely benign. Last evaluated: 2022-03-01. Review status: criteria provided, single submitter. Criteria: CeGaT Center For Human Genetics Tuebingen Variant Classification Criteria Version 2. Collection method: clinical testing. Allele origin: germline. Affected: yes. Observed: 1 variant allele.
Comment: SLC9A5: BP4, BP7